The following is an entry in ClinVar:

NM_004928.3(CFAP410):c.569G>T (p.Gly190Val)

Gene: CFAP410 (cilia and flagella associated protein 410; minus strand). Cytogenetic location: 21q22.3.
Variant type: single nucleotide variant.
Coding change: c.569G>T on transcript NM_004928.3 (MANE Select); coding-DNA position 569, G replaced by T.
Protein change: p.Gly190Val; replaces glycine 190 with valine.
Molecular consequence: missense variant.
Genome position (GRCh38, 1-based): chr21:44,330,896, C>A on the plus strand (G>T on the coding strand, the complement: CFAP410 is on the minus strand). VCF-style: chr21-44330896-C-A. GRCh37 (hg19) VCF-style: chr21-45750779-C-A.
Other names: c.569G>T (NM_004928.2); c.566G>T, p.Gly189Val (NM_001271440.2, NM_001271441.2); c.443G>T, p.Gly148Val (NM_001271442.1); short protein forms G190V, G148V, G189V.
Identifiers: ClinVar variation 425276 (VCV000425276.48), dbSNP rs752399030, ClinGen allele CA10053598.

ClinVar aggregate classification (germline): Conflicting classifications of pathogenicity. Review status: criteria provided, conflicting classifications (1 of 4 stars). 4 submissions from 4 submitters: Uncertain significance (1); Likely benign (2). 1 of the submissions does not count toward it. Last evaluated 2025-12-30.

Conditions:
CFAP410-related disorder. Also called: CFAP410-related condition.

Allele frequency attached by ClinVar (database versions not stated): ExAC 0.00035.
gnomAD v4.1: 114 of 1,599,460 alleles (0.0071%); highest among the groups gnomAD compares: South Asian, 0.12%; 1 homozygote.

Submissions (4):

Labcorp Genetics (formerly Invitae), Labcorp
Classification: Likely benign. Last evaluated: 2025-12-30. Review status: criteria provided, single submitter. Criteria: Invitae Variant Classification Sherloc (09022015). Collection method: clinical testing. Allele origin: germline.

Blueprint Genetics
Classification: Likely benign. Last evaluated: 2024-10-25. Review status: criteria provided, single submitter. Criteria: ACMG Guidelines, 2015. Collection method: clinical testing. Allele origin: germline.

CeGaT Center for Human Genetics Tuebingen
Classification: Uncertain significance. Last evaluated: 2017-02-01. Review status: criteria provided, single submitter. Criteria: CeGaT Center For Human Genetics Tuebingen Variant Classification Criteria Version 2. Collection method: clinical testing. Allele origin: germline. Affected: yes. Observed: 1 variant allele.

PreventionGenetics, part of Exact Sciences
Classification: Uncertain significance for CFAP410-related condition. Last evaluated: 2024-05-08. Review status: no assertion criteria provided. Collection method: clinical testing. Allele origin: germline. Not counted in ClinVar's aggregate classification.
Comment: The CFAP410 c.569G>T variant is predicted to result in the amino acid substitution p.Gly190Val. To our knowledge, this variant has not been reported in the literature. This variant is reported in 0.13% of alleles in individuals of South Asian descent in gnomAD. Although we suspect that this variant may be benign, at this time, the clinical significance of this variant is uncertain due to the absence of conclusive functional and genetic evidence.